The following is an entry in ClinVar:

NM_005618.4(DLL1):c.901G>A (p.Gly301Arg)

Gene: DLL1 (delta like canonical Notch ligand 1; minus strand). Cytogenetic location: 6q27.
Variant type: single nucleotide variant.
Coding change: c.901G>A on transcript NM_005618.4 (MANE Select); coding-DNA position 901, G replaced by A.
Protein change: p.Gly301Arg; replaces glycine 301 with arginine.
Molecular consequence: missense variant.
Genome position (GRCh38, 1-based): chr6:170,285,385, C>T on the plus strand (G>A on the coding strand, the complement: DLL1 is on the minus strand). VCF-style: chr6-170285385-C-T. GRCh37 (hg19) VCF-style: chr6-170594473-C-T.
Other names: short protein forms G301R.
Identifiers: ClinVar variation 4881197 (VCV004881197.2).

ClinVar aggregate classification (germline): Uncertain significance (1 of 4 stars; one submission).

Submission:

Dasa
Classification: Uncertain significance. Last evaluated: 2025-06-23. Review status: criteria provided, single submitter. Criteria: DASA Assertion Criteria. Collection method: clinical testing. Allele origin: germline.
Comment: NM_005618.4(DLL1):c.901G>A (p.Gly301Arg) is a missense variant that results in the substitution of glycine with arginine. This variant is absent from population databases. Computational prediction algorithms are consistent with a deleterious effect. The currently available literature and clinical evidence are not sufficient to establish a definitive association between this variant and the reported condition. Therefore, this variant is classified as a variant of uncertain significance.